The following is an entry in ClinVar:

NM_007294.4(BRCA1):c.441+8C>T

Gene: BRCA1 (BRCA1 DNA repair associated; minus strand). Cytogenetic location: 17q21.31.
Variant type: single nucleotide variant.
Coding change: c.441+8C>T on transcript NM_007294.4 (MANE Select); 8 bases into the intron after coding-DNA position 441, C replaced by T.
Molecular consequence: intron variant.
Genome position (GRCh38, 1-based): chr17:43,104,114, G>A on the plus strand (C>T on the coding strand, the complement: BRCA1 is on the minus strand). VCF-style: chr17-43104114-G-A. GRCh37 (hg19) VCF-style: chr17-41256131-G-A.
Other names: c.441+8C>T (NM_001407990.1, NM_007299.4, NM_001407974.1 and 164 more transcripts); c.300+8C>T (NM_001407744.1, NM_001408496.1, NM_001407732.1 and 99 more transcripts); c.-218-9254C>T (NM_001407966.1, NM_001407967.1); c.60+8C>T (NM_001407963.1, NM_001407960.1, NM_001407965.1 and 4 more transcripts); c.231+8C>T (NM_001407899.1, NM_001408507.1, NM_001407958.1 and 58 more transcripts); c.363+8C>T (NM_001408413.1, NM_001407660.1, NM_001407661.1 and 21 more transcripts); c.432+8C>T (NM_001407646.1, NM_001408408.1, NM_001407647.1); c.309+8C>T (NM_001408451.1).
Identifiers: ClinVar variation 921259 (VCV000921259.35), dbSNP rs756130118, ClinGen allele CA056105.

ClinVar aggregate classification (germline): Conflicting classifications of pathogenicity. Review status: criteria provided, conflicting classifications (1 of 4 stars). 3 submissions from 3 submitters: Uncertain significance (2); Likely benign (1). Last evaluated 2025-05-07.

Conditions:
Hereditary cancer-predisposing syndrome. Also called: Neoplastic Syndromes, Hereditary; Tumor predisposition; Hereditary Cancer Syndrome; Hereditary neoplastic syndrome. Identifiers: Orphanet 140162, MedGen C0027672, MeSH D009386, MONDO:0015356.
Hereditary breast ovarian cancer syndrome. Also called: BRCA1- and BRCA2-Associated Hereditary Breast and Ovarian Cancer; Hereditary breast and ovarian cancer syndrome; Hereditary breast and ovarian cancer; Hereditary breast and ovarian cancer syndrome (HBOC); Breast and ovarian cancer; Hereditary breast and/or ovarian cancer syndrome. Identifiers: Orphanet 145, MedGen C0677776, MeSH D061325, MONDO:0003582. Disease mechanism: loss of function.

Allele frequency attached by ClinVar (database versions not stated): ExAC 0.00001; gnomAD exomes 0.00001.

Submissions (3):

Color Diagnostics, LLC DBA Color Health
Classification: Uncertain significance for Hereditary cancer-predisposing syndrome. Last evaluated: 2025-05-07. Review status: criteria provided, single submitter. Criteria: ACMG Guidelines, 2015. Collection method: clinical testing. Allele origin: germline.
Comment: This variant causes a C to T nucleotide substitution at the +8 position of intron 6/22 of the BRCA1 gene. Splicing prediction tools suggest that this variant does not impact BRCA1 splicing (PMID: 30661751, 35449021). This variant has been reported with a pathogenic covariant, BRCA1 c.1687C>T (p.Gln563*), in an individual affected with breast cancer with a positive family history of hereditary breast and ovarian cancer (PMID: 36329109). This variant has been identified in 2/249086 chromosomes in the general population by the Genome Aggregation Database (gnomAD). Although there is a suspicion that this variant may not be associated with disease, additional studies are necessary to determine the role of this variant in disease conclusively. Therefore, this variant is classified as a Variant of Uncertain Significance.

Labcorp Genetics (formerly Invitae), Labcorp
Classification: Likely benign for Hereditary breast ovarian cancer syndrome. Last evaluated: 2022-05-06. Review status: criteria provided, single submitter. Criteria: Invitae Variant Classification Sherloc (09022015). Collection method: clinical testing. Allele origin: germline.

Genetics Program, Instituto Nacional de Cancer
Classification: Uncertain significance for Hereditary breast ovarian cancer syndrome. Last evaluated: 2021-11-01. Review status: criteria provided, single submitter. Criteria: ACMG Guidelines, 2015. Collection method: research. Allele origin: germline. Affected: yes.

Literature cited by the submitters: PubMed 30661751 (cited by Color Diagnostics, LLC DBA Color Health); PubMed 35449021 (cited by Color Diagnostics, LLC DBA Color Health); PubMed 36329109 (cited by Color Diagnostics, LLC DBA Color Health and Genetics Program, Instituto Nacional de Cancer).